The following is an entry in ClinVar:

ClinVar aggregate classification (germline): Uncertain significance (1 of 4 stars; one submission).

Conditions:
Bethlem myopathy 1A. Also called: Bethlem Muscular Dystrophy; MYOPATHY, BENIGN CONGENITAL, WITH CONTRACTURES; Bethlem myopathy 1. Identifiers: Orphanet 610, MedGen CN029274, MONDO:0024530, OMIM 158810.

Allele frequency attached by ClinVar (database versions not stated): gnomAD exomes below 0.00001.

Submission:

Labcorp Genetics (formerly Invitae), Labcorp
Classification: Uncertain significance for Bethlem myopathy 1A. Last evaluated: 2020-07-22. Review status: criteria provided, single submitter. Criteria: Invitae Variant Classification Sherloc (09022015). Collection method: clinical testing. Allele origin: germline.
Comment: This sequence change affects codon 776 of the COL6A1 mRNA. It is a 'silent' change, meaning that it does not change the encoded amino acid sequence of the COL6A1 protein. In summary, the available evidence is currently insufficient to determine the role of this variant in disease. Therefore, it has been classified as a Variant of Uncertain Significance. Algorithms developed to predict the effect of sequence changes on RNA splicing suggest that this variant may create or strengthen a splice site, but this prediction has not been confirmed by published transcriptional studies. This variant has not been reported in the literature in individuals with COL6A1-related conditions. This variant is not present in population databases (ExAC no frequency).

NM_001848.3(COL6A1):c.2328C>T (p.Gly776=)

Gene: COL6A1 (collagen type VI alpha 1 chain; plus strand). Cytogenetic location: 21q22.3.
Variant type: single nucleotide variant.
Coding change: c.2328C>T on transcript NM_001848.3 (MANE Select); coding-DNA position 2328, C replaced by T.
Protein change: p.Gly776=; no amino-acid change (glycine 776 retained).
Molecular consequence: synonymous variant.
Genome position (GRCh38, 1-based): chr21:46,002,604, C>T. VCF-style: chr21-46002604-C-T. GRCh37 (hg19) VCF-style: chr21-47422518-C-T.
Identifiers: ClinVar variation 1020837 (VCV001020837.9), dbSNP rs1434098396, ClinGen allele CA512718727.